The following is an entry in ClinVar:

ClinVar aggregate classification (germline): Uncertain significance. Review status: criteria provided, multiple submitters, no conflicts (2 of 4 stars). 2 submissions from 2 submitters: Uncertain significance (2). Last evaluated 2025-12-21.

Conditions:
Progressive myoclonic epilepsy type 5. Identifiers: Orphanet 402082, MedGen C5190799.

Allele frequency attached by ClinVar (database versions not stated): ESP Exome Variant Server 0.00008; gnomAD exomes 0.00013; gnomAD 0.00016; TOPMed 0.00016; ExAC 0.00020.
gnomAD v4.1: 328 of 1,614,122 alleles (0.02%); highest among the groups gnomAD compares: Non-Finnish European, 0.027%; no homozygotes.

Submissions (2):

Labcorp Genetics (formerly Invitae), Labcorp
Classification: Uncertain significance for Progressive myoclonic epilepsy type 5. Last evaluated: 2025-12-21. Review status: criteria provided, single submitter. Criteria: Invitae Variant Classification Sherloc (09022015). Collection method: clinical testing. Allele origin: germline.
Comment: This sequence change replaces arginine, which is basic and polar, with glutamine, which is neutral and polar, at codon 364 of the PRICKLE2 protein (p.Arg364Gln). This variant is present in population databases (rs372367565, gnomAD 0.03%). This variant has not been reported in the literature in individuals affected with PRICKLE2-related conditions. ClinVar contains an entry for this variant (Variation ID: 645682). An algorithm developed to predict the effect of missense changes on protein structure and function (PolyPhen-2) suggests that this variant is likely to be disruptive. In summary, the available evidence is currently insufficient to determine the role of this variant in disease. Therefore, it has been classified as a Variant of Uncertain Significance.

Ambry Genetics
Classification: Uncertain significance. Last evaluated: 2023-07-11. Review status: criteria provided, single submitter. Criteria: Ambry Variant Classification Scheme 2023. Collection method: clinical testing. Allele origin: germline.

NM_198859.4(PRICKLE2):c.1091G>A (p.Arg364Gln)

Gene: PRICKLE2 (prickle planar cell polarity protein 2; minus strand). Cytogenetic location: 3p14.1.
Variant type: single nucleotide variant.
Coding change: c.1091G>A on transcript NM_198859.4 (MANE Select); coding-DNA position 1091, G replaced by A.
Protein change: p.Arg364Gln; replaces arginine 364 with glutamine.
Molecular consequence: missense variant.
Genome position (GRCh38, 1-based): chr3:64,147,399, C>T on the plus strand (G>A on the coding strand, the complement: PRICKLE2 is on the minus strand). VCF-style: chr3-64147399-C-T. GRCh37 (hg19) VCF-style: chr3-64133075-C-T.
Other names: c.1091G>A, p.Arg364Gln (NM_001370528.1); short protein forms R364Q.
Identifiers: ClinVar variation 645682 (VCV000645682.10), dbSNP rs372367565, ClinGen allele CA2479690.